The following is an entry in ClinVar:

ClinVar aggregate classification (germline): Benign/Likely benign. Review status: criteria provided, multiple submitters, no conflicts (2 of 4 stars). 2 submissions from 2 submitters: Benign (1); Likely benign (1). Last evaluated 2026-04-12.

Conditions:
BAP1-related tumor predisposition syndrome (TPDS1). Also called: Tumor susceptibility linked to germline BAP1 mutations; COMMON Syndrome; TUMOR PREDISPOSITION SYNDROME 1; BAP1 tumor predisposition syndrome. Identifiers: Orphanet 289539, MedGen C3280492, MONDO:0013692, OMIM 614327.
Hereditary cancer-predisposing syndrome. Also called: Neoplastic Syndromes, Hereditary; Tumor predisposition; Hereditary Cancer Syndrome; Hereditary neoplastic syndrome. Identifiers: Orphanet 140162, MedGen C0027672, MeSH D009386, MONDO:0015356.

Submissions (2):

Ambry Genetics
Classification: Likely benign for Hereditary cancer-predisposing syndrome. Last evaluated: 2026-04-12. Review status: criteria provided, single submitter. Criteria: Ambry Variant Classification Scheme 2023. Collection method: clinical testing. Allele origin: germline.

Myriad Genetics, Inc.
Classification: Benign for BAP1-related tumor predisposition syndrome. Last evaluated: 2024-07-15. Review status: criteria provided, single submitter. Criteria: Myriad Autosomal Dominant, Autosomal Recessive and X-Linked Classification Criteria (2023). Collection method: clinical testing. Allele origin: unknown.
Comment: This variant is considered benign. This variant is a silent/synonymous amino acid change and it is not expected to impact splicing.

NM_004656.4(BAP1):c.876C>T (p.Ser292=)

Gene: BAP1 (BRCA1 associated deubiquitinase 1; minus strand). Cytogenetic location: 3p21.1.
Variant type: single nucleotide variant.
Coding change: c.876C>T on transcript NM_004656.4 (MANE Select); coding-DNA position 876, C replaced by T.
Protein change: p.Ser292=; no amino-acid change (serine 292 retained).
Molecular consequence: synonymous variant.
Genome position (GRCh38, 1-based): chr3:52,405,820, G>A on the plus strand (C>T on the coding strand, the complement: BAP1 is on the minus strand). VCF-style: chr3-52405820-G-A. GRCh37 (hg19) VCF-style: chr3-52439836-G-A.
Other names: c.822C>T, p.Ser274= (NM_001410772.1).
Identifiers: ClinVar variation 3379104 (VCV003379104.2).